The following is an entry in ClinVar:

NM_000135.4(FANCA):c.3513+9G>A

Gene: FANCA (FA complementation group A; minus strand). Cytogenetic location: 16q24.3.
Variant type: single nucleotide variant.
Coding change: c.3513+9G>A on transcript NM_000135.4 (MANE Select); 9 bases into the intron after coding-DNA position 3513, G replaced by A.
Molecular consequence: intron variant.
Genome position (GRCh38, 1-based): chr16:89,746,575, C>T on the plus strand (G>A on the coding strand, the complement: FANCA is on the minus strand). VCF-style: chr16-89746575-C-T. GRCh37 (hg19) VCF-style: chr16-89812983-C-T.
Other names: c.3513+9G>A (NM_001286167.3).
Identifiers: ClinVar variation 4532874 (VCV004532874.1).
Genomic context (GRCh38, chr16:89,746,575, plus strand): 5'-TGCCAGAGGCAGCTGTGGAGTCTCCCACTCATCCCCAAAACAAAACACCAAACAAGACAG[C>T]TGACCCACCAGAGCAGAGGTCAAAATTAAGGGGCATTTCGTCTGGCACTTGGCCAGTATG-3'

ClinVar aggregate classification (germline): Uncertain significance (1 of 4 stars; one submission).

gnomAD v4.1: 1 of 1,611,700 alleles (0.000062%); highest among the groups gnomAD compares: Non-Finnish European, 0.000085%; no homozygotes.

Submission:

Quest Diagnostics Nichols Institute San Juan Capistrano
Classification: Uncertain significance. Last evaluated: 2025-05-05. Review status: criteria provided, single submitter. Criteria: Quest Diagnostics criteria. Collection method: clinical testing. Allele origin: unknown.
Comment: The FANCA c.3513+9G>A variant has not been reported in individuals with FANCA-related conditions in the published literature. It also has not been reported in large, multi-ethnic general populations (Genome Aggregation Database). Analysis of this variant using software algorithms for the prediction of the effect of nucleotide changes on FANCA mRNA splicing yielded inconclusive findings. Based on the available information, we are unable to determine the clinical significance of this variant.